The following is an entry in ClinVar:

NM_004531.5(MOCS2):c.241A>T (p.Asn81Tyr)

Gene: MOCS2 (molybdenum cofactor synthesis 2; minus strand). Cytogenetic location: 5q11.2.
Variant type: single nucleotide variant.
Coding change: c.241A>T on transcript NM_004531.5 (MANE Select); coding-DNA position 241, A replaced by T.
Protein change: p.Asn81Tyr; replaces asparagine 81 with tyrosine.
Molecular consequence: missense variant. On other transcripts: 3 prime UTR variant (1).
Genome position (GRCh38, 1-based): chr5:53,101,495, T>A on the plus strand (A>T on the coding strand, the complement: MOCS2 is on the minus strand). VCF-style: chr5-53101495-T-A. GRCh37 (hg19) VCF-style: chr5-52397325-T-A.
Other names: c.241A>T (NM_004531.3); c.*161A>T (NM_176806.4); short protein forms N81Y.
Identifiers: ClinVar variation 1398529 (VCV001398529.6), dbSNP rs555716628, ClinGen allele CA3263666.

ClinVar aggregate classification (germline): Uncertain significance. Review status: criteria provided, multiple submitters, no conflicts (2 of 4 stars). 3 submissions from 3 submitters: Uncertain significance (3). Last evaluated 2024-05-09.

Conditions:
Inborn genetic diseases. Identifiers: MedGen C0950123, MeSH D030342.
Sulfite oxidase deficiency due to molybdenum cofactor deficiency type B1 (MOCODB1). Also called: Molybdenum cofactor deficiency, complementation group B; MOLYBDENUM COFACTOR DEFICIENCY, TYPE B1; Molybdenum cofactor deficiency B; Sulfite oxidase deficiency due to molybdenum cofactor deficiency type B. Identifiers: Orphanet 308393, Orphanet 833, MedGen C6065887, MONDO:0009644, OMIM 252160.

Allele frequency attached by ClinVar (database versions not stated): TOPMed below 0.00001; gnomAD exomes 0.00001 and 0.00002; gnomAD 0.00004; ExAC 0.00006; 1000 Genomes Project 30x 0.00016; 1000 Genomes Project 0.00020.
gnomAD v4.1: 26 of 1,603,252 alleles (0.0016%); highest among the groups gnomAD compares: South Asian, 0.0033%; no homozygotes.

Submissions (3):

Fulgent Genetics
Classification: Uncertain significance for Sulfite oxidase deficiency due to molybdenum cofactor deficiency type B1. Last evaluated: 2024-05-09. Review status: criteria provided, single submitter. Criteria: ACMG Guidelines, 2015. Collection method: clinical testing. Allele origin: germline.

Ambry Genetics
Classification: Uncertain significance for Inborn genetic diseases. Last evaluated: 2024-03-26. Review status: criteria provided, single submitter. Criteria: Ambry Variant Classification Scheme 2023. Collection method: clinical testing. Allele origin: germline.

Labcorp Genetics (formerly Invitae), Labcorp
Classification: Uncertain significance. Last evaluated: 2022-08-10. Review status: criteria provided, single submitter. Criteria: Invitae Variant Classification Sherloc (09022015). Collection method: clinical testing. Allele origin: germline.
Comment: This sequence change replaces asparagine, which is neutral and polar, with tyrosine, which is neutral and polar, at codon 81 of the MOCS2B protein (p.Asn81Tyr). This variant is present in population databases (rs555716628, gnomAD 0.005%). This variant has not been reported in the literature in individuals affected with MOCS2B-related conditions. ClinVar contains an entry for this variant (Variation ID: 1398529). Algorithms developed to predict the effect of missense changes on protein structure and function are either unavailable or do not agree on the potential impact of this missense change (SIFT: "Deleterious"; PolyPhen-2: "Benign"; Align-GVGD: "Class C15"). In summary, the available evidence is currently insufficient to determine the role of this variant in disease. Therefore, it has been classified as a Variant of Uncertain Significance.